The following is an entry in ClinVar:

NM_005996.4(TBX3):c.42C>T (p.Ser14=)

Genes: TBX3 (T-box transcription factor 3; minus strand), TBX3-AS1 (TBX3 antisense RNA 1; plus strand). Cytogenetic location: 12q24.21.
Variant type: single nucleotide variant.
Coding change: c.42C>T on transcript NM_005996.4 (MANE Select); coding-DNA position 42, C replaced by T.
Protein change: p.Ser14=; no amino-acid change (serine 14 retained).
Molecular consequence: synonymous variant.
Genome position (GRCh38, 1-based): chr12:114,683,159, G>A on the plus strand (C>T on the coding strand, the complement: TBX3 is on the minus strand). VCF-style: chr12-114683159-G-A. GRCh37 (hg19) VCF-style: chr12-115120964-G-A.
Other names: c.42C>T, p.Ser14= (NM_016569.4).
Identifiers: ClinVar variation 4988983 (VCV004988983.1).

ClinVar aggregate classification (germline): Likely benign (1 of 4 stars; one submission).

Conditions:
TBX3-related disorder. Also called: TBX3-related condition.

gnomAD v4.1: 2 of 1,612,398 alleles (0.00012%); highest among the groups gnomAD compares: Non-Finnish European, 0.00017%; no homozygotes.

Submission:

PreventionGenetics, part of Exact Sciences
Classification: Likely benign for TBX3-related condition. Last evaluated: 2025-03-06. Review status: criteria provided, single submitter. Criteria: ACMG Guidelines, 2015. Collection method: clinical testing. Allele origin: germline.
Comment: This variant is classified as likely benign based on ACMG/AMP sequence variant interpretation guidelines (Richards et al. 2015 PMID: 25741868, with internal and published modifications).